The following is an entry in ClinVar:

ClinVar aggregate classification (germline): Uncertain significance (1 of 4 stars; one submission).

Conditions:
EVC-related disorder. Also called: EVC-related condition; EVC-related disorders.

gnomAD v4.1: 1 of 1,614,020 alleles (0.000062%); highest among the groups gnomAD compares: Admixed American, 0.0017%; no homozygotes.

Submission:

PreventionGenetics, part of Exact Sciences
Classification: Uncertain significance for EVC-related condition. Last evaluated: 2023-09-13. Review status: criteria provided, single submitter. Criteria: ACMG Guidelines, 2015. Collection method: clinical testing. Allele origin: germline.
Comment: The EVC c.860G>T variant is predicted to result in the amino acid substitution p.Gly287Val. To our knowledge, this variant has not been reported in the literature or in a large population database, indicating this variant is rare. At this time, the clinical significance of this variant is uncertain due to the absence of conclusive functional and genetic evidence.

NM_153717.3(EVC):c.860G>T (p.Gly287Val)

Gene: EVC (EvC ciliary complex subunit 1; plus strand). Cytogenetic location: 4p16.2.
Variant type: single nucleotide variant.
Coding change: c.860G>T on transcript NM_153717.3 (MANE Select); coding-DNA position 860, G replaced by T.
Protein change: p.Gly287Val; replaces glycine 287 with valine.
Molecular consequence: missense variant.
Genome position (GRCh38, 1-based): chr4:5,745,262, G>T. VCF-style: chr4-5745262-G-T. GRCh37 (hg19) VCF-style: chr4-5746989-G-T.
Other names: c.860G>T, p.Gly287Val (NM_001306090.2, NM_001306092.2); short protein forms G287V.
Identifiers: ClinVar variation 2630760 (VCV002630760.1), dbSNP rs2475059474, ClinGen allele CA356149393.